The following is an entry in ClinVar:

NM_017780.4(CHD7):c.4186-1G>A

Gene: CHD7 (chromodomain helicase DNA binding protein 7; plus strand). Cytogenetic location: 8q12.2.
Variant type: single nucleotide variant.
Coding change: c.4186-1G>A on transcript NM_017780.4 (MANE Select); the canonical splice acceptor site of the intron before coding-DNA position 4186, G replaced by A.
Molecular consequence: splice acceptor variant. On other transcripts: intron variant (1).
Genome position (GRCh38, 1-based): chr8:60,837,667, G>A. VCF-style: chr8-60837667-G-A. GRCh37 (hg19) VCF-style: chr8-61750226-G-A.
Other names: c.1717-24562G>A (NM_001316690.1).
Identifiers: ClinVar variation 4813877 (VCV004813877.1).
Genomic context (GRCh38, chr8:60,837,667, plus strand): 5'-TGGTGGGGAGACAGAAACATTAGGTTCATTGCAGTAACTATTAATTTCATTTTTCTTCCA[G>A]GCTCAGGCTAGATGTCATAGAATAGGACAGAGCAAATCTGTGAAAATCTACAGGCTGATT-3'

ClinVar aggregate classification (germline): Likely pathogenic (1 of 4 stars; one submission).

Submission:

GeneDx
Classification: Likely pathogenic. Last evaluated: 2025-09-23. Review status: criteria provided, single submitter. Criteria: GeneDx Variant Classification Process June 2021. Collection method: clinical testing. Allele origin: germline. Affected: yes.
Comment: Identified in a patient with CHARGE syndrome referred for CHD7 sequencing at GeneDx (PMID: 21158681); Canonical splice site variant predicted to result in an in-frame loss of the adjacent exon in a gene for which loss of function is a known mechanism of disease; Not observed at significant frequency in large population cohorts (gnomAD); This variant is associated with the following publications: (PMID: 25525159, 21158681)